The following is an entry in ClinVar:

NM_170682.4(P2RX2):c.162_172del (p.Tyr55fs)

Gene: P2RX2 (purinergic receptor P2X 2; plus strand). Cytogenetic location: 12q24.33.
Variant type: Deletion.
Coding change: c.162_172del on transcript NM_170682.4 (MANE Select); coding-DNA positions 162 to 172, 11 bases deleted (CTACTTCGTGT).
Protein change: p.Tyr55fs; shifts the reading frame from tyrosine 55.
Molecular consequence: frameshift variant. On other transcripts: intron variant (2).
Genome position (GRCh38, 1-based): chr12:132,618,978-132,618,988, CTACTTCGTGT deleted; deleting any 11 consecutive bases within chr12:132,618,977-132,618,988 gives the same sequence; the c. name uses the placement nearest the transcript's 3' end. VCF-style (leftmost placement, unchanged base first): chr12-132618976-CTCTACTTCGTG-C. GRCh37 (hg19) VCF-style: chr12-133195562-CTCTACTTCGTG-C.
Other names: c.162_172del, p.Tyr55fs (NM_001282164.2, NM_001282165.2, NM_016318.4 and 2 more transcripts); c.105+57_105+67del (NM_012226.5, NM_174872.3); short protein forms Y55fs.
Identifiers: ClinVar variation 4774337 (VCV004774337.1).
Genomic context (GRCh38, chr12:132,618,976, plus strand): 5'-ATCGTGGTGAGGAACCGGCGCCTGGGGGTCCTGTACCGCGCCGTGCAGCTGCTCATCCTG[CTCTACTTCGTG>C]TGGTGCGCGGGGCGCGGGGTGCGGGGCGCGGGGTGCGGGGCGCAGGGGAGGGGCTGGGAT-3'

ClinVar aggregate classification (germline): Uncertain significance (1 of 4 stars; one submission).

Submission:

Labcorp Genetics (formerly Invitae), Labcorp
Classification: Uncertain significance. Last evaluated: 2025-02-26. Review status: criteria provided, single submitter. Criteria: Invitae Variant Classification Sherloc (09022015). Collection method: clinical testing. Allele origin: germline.
Comment: This sequence change creates a premature translational stop signal (p.Tyr55Valfs*213) in the P2RX2 gene. It is expected to result in an absent or disrupted protein product. However, the current clinical and genetic evidence is not sufficient to establish whether loss-of-function variants in P2RX2 cause disease. This variant is not present in population databases (gnomAD no frequency). This variant has not been reported in the literature in individuals affected with P2RX2-related conditions. In summary, the available evidence is currently insufficient to determine the role of this variant in disease. Therefore, it has been classified as a Variant of Uncertain Significance.